The following is an entry in ClinVar:

ClinVar aggregate classification (germline): Likely benign. Review status: criteria provided, multiple submitters, no conflicts (2 of 4 stars). 3 submissions from 3 submitters: Likely benign (3). Last evaluated 2026-04-01.

Conditions:
Episodic ataxia type 2 (EA2). Also called: EPISODIC ATAXIA, NYSTAGMUS-ASSOCIATED; ATAXIA, EPISODIC, WITH NYSTAGMUS; ATAXIA, FAMILIAL PAROXYSMAL; CEREBELLAR ATAXIA, PAROXYSMAL, ACETAZOLAMIDE-RESPONSIVE; CEREBELLOPATHY, HEREDITARY PAROXYSMAL; ACETAZOLAMIDE-RESPONSIVE HEREDITARY PAROXYSMAL CEREBELLAR ATAXIA. Identifiers: Orphanet 97, MedGen C1720416, MONDO:0007163, OMIM 108500.
Developmental and epileptic encephalopathy, 42 (DEE42A). Also called: Epileptic encephalopathy, early infantile, 42; DEVELOPMENTAL AND EPILEPTIC ENCEPHALOPATHY 42A; EPILEPTIC ENCEPHALOPATHY, EARLY INFANTILE, 42A. Identifiers: MedGen C4310716, MONDO:0014917, OMIM 617106.

Allele frequency attached by ClinVar (database versions not stated): ExAC below 0.00001; TOPMed 0.00003; gnomAD exomes 0.00005; gnomAD 0.00006.
gnomAD v4.1: 74 of 1,557,944 alleles (0.0047%); highest among the groups gnomAD compares: East Asian, 0.034%; no homozygotes.

Submissions (3):

CeGaT Center for Human Genetics Tuebingen
Classification: Likely benign. Last evaluated: 2026-04-01. Review status: criteria provided, single submitter. Criteria: CeGaT Center For Human Genetics Tuebingen Variant Classification Criteria Version 2. Collection method: clinical testing. Allele origin: germline. Affected: yes. Observed: 1 variant allele.
Comment: CACNA1A: BP4, BP7

Labcorp Genetics (formerly Invitae), Labcorp
Classification: Likely benign for Developmental and epileptic encephalopathy, 42; Episodic ataxia type 2. Last evaluated: 2025-07-07. Review status: criteria provided, single submitter. Criteria: Invitae Variant Classification Sherloc (09022015). Collection method: clinical testing. Allele origin: germline.

Blueprint Genetics
Classification: Likely benign. Last evaluated: 2023-12-07. Review status: criteria provided, single submitter. Criteria: ACMG Guidelines, 2015. Collection method: clinical testing. Allele origin: germline.

NM_001127222.2(CACNA1A):c.831C>T (p.Pro277=)

Gene: CACNA1A (calcium voltage-gated channel subunit alpha1 A; minus strand). Cytogenetic location: 19p13.13.
Variant type: single nucleotide variant.
Coding change: c.831C>T on transcript NM_001127222.2 (MANE Select); coding-DNA position 831, C replaced by T.
Protein change: p.Pro277=; no amino-acid change (proline 277 retained).
Molecular consequence: synonymous variant.
Genome position (GRCh38, 1-based): chr19:13,359,753, G>A on the plus strand (C>T on the coding strand, the complement: CACNA1A is on the minus strand). VCF-style: chr19-13359753-G-A. GRCh37 (hg19) VCF-style: chr19-13470567-G-A.
Other names: c.831C>T, p.Pro277= (NM_000068.4, NM_001127221.2, NM_001174080.2 and 1 more transcripts).
Identifiers: ClinVar variation 767276 (VCV000767276.14), dbSNP rs568635317, ClinGen allele CA9240951.